The following is an entry in ClinVar:

ClinVar aggregate classification (germline): Uncertain significance (1 of 4 stars; one submission).

Conditions:
Familial meningioma. Also called: Meningioma, familial, susceptibility to. Identifiers: Orphanet 263662, MedGen C3551915, MONDO:0011789, OMIM 607174.

Submission:

Labcorp Genetics (formerly Invitae), Labcorp
Classification: Uncertain significance for Familial meningioma. Last evaluated: 2023-08-04. Review status: criteria provided, single submitter. Criteria: Invitae Variant Classification Sherloc (09022015). Collection method: clinical testing. Allele origin: germline.
Comment: In summary, the available evidence is currently insufficient to determine the role of this variant in disease. Therefore, it has been classified as a Variant of Uncertain Significance. Advanced modeling of protein sequence and biophysical properties (such as structural, functional, and spatial information, amino acid conservation, physicochemical variation, residue mobility, and thermodynamic stability) performed at Invitae indicates that this missense variant is not expected to disrupt SMARCE1 protein function. This variant has not been reported in the literature in individuals affected with SMARCE1-related conditions. This variant is not present in population databases (gnomAD no frequency). This sequence change replaces glutamic acid, which is acidic and polar, with lysine, which is basic and polar, at codon 359 of the SMARCE1 protein (p.Glu359Lys).

NM_003079.5(SMARCE1):c.1075G>A (p.Glu359Lys)

Gene: SMARCE1 (SWI/SNF related BAF chromatin remodeling complex subunit E1; minus strand). Cytogenetic location: 17q21.2.
Variant type: single nucleotide variant.
Coding change: c.1075G>A on transcript NM_003079.5 (MANE Select); coding-DNA position 1075, G replaced by A.
Protein change: p.Glu359Lys; replaces glutamic acid 359 with lysine.
Molecular consequence: missense variant.
Genome position (GRCh38, 1-based): chr17:40,628,946, C>T on the plus strand (G>A on the coding strand, the complement: SMARCE1 is on the minus strand). VCF-style: chr17-40628946-C-T. GRCh37 (hg19) VCF-style: chr17-38785198-C-T.
Other names: short protein forms E359K.
Identifiers: ClinVar variation 2749952 (VCV002749952.3), dbSNP rs2508592819, ClinGen allele CA399361551.
Genomic context (GRCh38, chr17:40,628,946, plus strand): 5'-CTGCCATACTGTCGACCCCCTCCTGCCCACTCTCCTTGTCCTCAGGAGTAGACGTGCCTT[C>T]TTCACCATTCTGTTGGCTCTCTGTTGTTTCTTCAAGGTGTGTCTCCTCTGTAATCACACA-3'
Protein context (NP_003070.3, residues 349-369): ETTESQQNGE[Glu359Lys]GTSTPEDKES